The following is an entry in ClinVar:

NM_182914.3(SYNE2):c.9001C>G (p.Leu3001Val)

Gene: SYNE2 (spectrin repeat containing nuclear envelope protein 2; plus strand). Cytogenetic location: 14q23.2.
Variant type: single nucleotide variant.
Coding change: c.9001C>G on transcript NM_182914.3 (MANE Select); coding-DNA position 9001, C replaced by G.
Protein change: p.Leu3001Val; replaces leucine 3001 with valine.
Molecular consequence: missense variant.
Genome position (GRCh38, 1-based): chr14:64,052,914, C>G. VCF-style: chr14-64052914-C-G. GRCh37 (hg19) VCF-style: chr14-64519632-C-G.
Other names: c.9001C>G, p.Leu3001Val (NM_015180.6); short protein forms L3001V.
Identifiers: ClinVar variation 960371 (VCV000960371.10), dbSNP rs771518864, ClinGen allele CA7221204.

ClinVar aggregate classification (germline): Uncertain significance (1 of 4 stars; one submission).

Conditions:
Emery-Dreifuss muscular dystrophy 5, autosomal dominant (EDMD5). Also called: EMERY-DREIFUSS MUSCULAR DYSTROPHY 5. Identifiers: Orphanet 261, MedGen C2751805, MONDO:0013072, OMIM 612999.

Allele frequency attached by ClinVar (database versions not stated): gnomAD exomes below 0.00001 and 0.00003; ExAC 0.00002.
gnomAD v4.1: 1 of 1,612,708 alleles (0.000062%); highest among the groups gnomAD compares: East Asian, 0.0022%; no homozygotes.

Submission:

Labcorp Genetics (formerly Invitae), Labcorp
Classification: Uncertain significance for Emery-Dreifuss muscular dystrophy 5, autosomal dominant. Last evaluated: 2022-03-03. Review status: criteria provided, single submitter. Criteria: Invitae Variant Classification Sherloc (09022015). Collection method: clinical testing. Allele origin: germline.
Comment: Algorithms developed to predict the effect of missense changes on protein structure and function are either unavailable or do not agree on the potential impact of this missense change (SIFT: "Tolerated"; PolyPhen-2: "Possibly Damaging"; Align-GVGD: "Class C0"). In summary, the available evidence is currently insufficient to determine the role of this variant in disease. Therefore, it has been classified as a Variant of Uncertain Significance. ClinVar contains an entry for this variant (Variation ID: 960371). This variant has not been reported in the literature in individuals affected with SYNE2-related conditions. This variant is present in population databases (rs771518864, gnomAD 0.04%), and has an allele count higher than expected for a pathogenic variant. This sequence change replaces leucine, which is neutral and non-polar, with valine, which is neutral and non-polar, at codon 3001 of the SYNE2 protein (p.Leu3001Val).